The following is an entry in ClinVar:

NM_001363711.2(DUOX2):c.4637A>G (p.Glu1546Gly)

Gene: DUOX2 (dual oxidase 2; minus strand). Cytogenetic location: 15q21.1.
Variant type: single nucleotide variant.
Coding change: c.4637A>G on transcript NM_001363711.2 (MANE Select); coding-DNA position 4637, A replaced by G.
Protein change: p.Glu1546Gly; replaces glutamic acid 1546 with glycine.
Molecular consequence: missense variant.
Genome position (GRCh38, 1-based): chr15:45,094,160, T>C on the plus strand (A>G on the coding strand, the complement: DUOX2 is on the minus strand). VCF-style: chr15-45094160-T-C. GRCh37 (hg19) VCF-style: chr15-45386358-T-C.
Other names: c.4637A>G, p.Glu1546Gly (NM_014080.5); short protein forms E1546G.
Identifiers: ClinVar variation 316133 (VCV000316133.33), dbSNP rs201229193, ClinGen allele CA7537444.

ClinVar aggregate classification (germline): Conflicting classifications of pathogenicity. Review status: criteria provided, conflicting classifications (1 of 4 stars). 6 submissions from 6 submitters: Uncertain significance (5); Likely benign (1). Last evaluated 2026-01-27.

Conditions:
Thyroid dyshormonogenesis 6 (TDH6). Also called: HYPOTHYROIDISM, CONGENITAL, DUE TO DYSHORMONOGENESIS, 6; Genetic transient congenital hypothyroidism; THYROID HORMONOGENESIS, GENETIC DEFECT IN, 6. Identifiers: Orphanet 226316, Orphanet 95716, MedGen C1846632, MONDO:0011792, OMIM 607200.
Familial thyroid dyshormonogenesis. Identifiers: Orphanet 95716, MedGen C4273748, MONDO:0010132.

Allele frequency attached by ClinVar (database versions not stated): TOPMed 0.00056; gnomAD exomes 0.00063 and 0.00076; ESP Exome Variant Server 0.00069; gnomAD 0.00073 and 0.00078; ExAC 0.00084.
gnomAD v4.1: 1,037 of 1,613,982 alleles (0.064%); highest among the groups gnomAD compares: Non-Finnish European, 0.068%; 1 homozygote.

Submissions (6):

Labcorp Genetics (formerly Invitae), Labcorp
Classification: Likely benign. Last evaluated: 2026-01-27. Review status: criteria provided, single submitter. Criteria: Invitae Variant Classification Sherloc (09022015). Collection method: clinical testing. Allele origin: germline.

CeGaT Center for Human Genetics Tuebingen
Classification: Uncertain significance. Last evaluated: 2025-05-01. Review status: criteria provided, single submitter. Criteria: CeGaT Center For Human Genetics Tuebingen Variant Classification Criteria Version 2. Collection method: clinical testing. Allele origin: germline. Affected: yes. Observed: 2 variant alleles.

Department of Pathology and Laboratory Medicine, Sinai Health System
Classification: Uncertain significance for Familial thyroid dyshormonogenesis; Thyroid dyshormonogenesis 6. Last evaluated: 2022-12-14. Review status: criteria provided, single submitter. Criteria: ACMG Guidelines, 2015. Collection method: research. Allele origin: germline.

GeneDx
Classification: Uncertain significance. Last evaluated: 2021-08-27. Review status: criteria provided, single submitter. Criteria: GeneDx Variant Classification Process June 2021. Collection method: clinical testing. Allele origin: germline. Affected: yes.
Comment: Published functional studies demonstrate that E1546G exhibits 55% of DUOX2 activity compared to the wild-type protein (Muzza et al., 2014); In silico analysis, which includes protein predictors and evolutionary conservation, supports a deleterious effect; Observed in individuals with congenital hypothyroidism with no second DUOX2 variant observed (Makretskaya et al., 2018; Zdraveska et al., 2020); Observed in an individual with congenital hypothyroidism in published literature who harbored a second DUOX2 variant; the phase of these variants was not reported (Muzza et al., 2014) This variant is associated with the following publications: (PMID: 32765423, 30240412, 24423310, 26210446)

CENTOGENE GmbH and LLC - Guiding Precision Medicine
Classification: Uncertain significance for Thyroid dyshormonogenesis 6. Last evaluated: 2018-02-13. Review status: criteria provided, single submitter. Criteria: ACMG Guidelines, 2015. Collection method: clinical testing. Allele origin: maternal.

Illumina Laboratory Services, Illumina
Classification: Uncertain significance for Thyroid dyshormonogenesis 6. Last evaluated: 2018-01-13. Review status: criteria provided, single submitter. Criteria: ICSL Variant Classification Criteria 13 December 2019. Collection method: clinical testing. Allele origin: germline.